The following is an entry in ClinVar:

ClinVar aggregate classification (germline): Likely pathogenic (1 of 4 stars; one submission).

Conditions:
X-linked RPGR-related disorders.

Submission:

Variantyx, Inc.
Classification: Likely pathogenic for X-linked RPGR-related disorders. Last evaluated: 2025-11-05. Review status: criteria provided, single submitter. Criteria: Variantyx Assertion Criteria 2022. Collection method: clinical testing. Allele origin: maternal. Inheritance: X-linked recessive inheritance. Affected: yes.
Comment: This is a nonsense variant in the RPGR gene (OMIM: 312610). Pathogenic variants in this gene have been associated with X-linked RPGR-related disorders. This variant introduces a premature termination codon in exon 11 out of 15 and is expected to result in loss of function, which is a known disease mechanism for RPGR in this disorder (PMID: 16969763, 16055928) (PVS1). This variant is absent from control populations (PM2) and has not been reported in individuals with RPGR-related disorders in the databases available for review. Based on the current evidence, this variant is classified as likely pathogenic for X-linked RPGR-related disorders.

Literature cited by the submitters: PubMed 16969763; PubMed 16055928.

NM_001034853.2(RPGR):c.1276A>T (p.Arg426Ter)

Gene: RPGR (retinitis pigmentosa GTPase regulator; minus strand). Cytogenetic location: Xp11.4.
Variant type: single nucleotide variant.
Coding change: c.1276A>T on transcript NM_001034853.2 (MANE Select); coding-DNA position 1276, A replaced by T.
Protein change: p.Arg426Ter; replaces arginine 426 with a stop codon.
Molecular consequence: nonsense. On other transcripts: non-coding transcript variant (6).
Genome position (GRCh38, 1-based): chrX:38,297,422, T>A on the plus strand (A>T on the coding strand, the complement: RPGR is on the minus strand). VCF-style: chrX-38297422-T-A. GRCh37 (hg19) VCF-style: chrX-38156675-T-A.
Other names: c.1276A>T, p.Arg426Ter (NM_000328.3, NM_001367247.1); c.1273A>T, p.Arg425Ter (NM_001367245.1, NM_001367249.1, NM_001367250.1); c.1090A>T, p.Arg364Ter (NM_001367246.1, NM_001367251.1); c.1306A>T, p.Arg436Ter (NM_001367248.1); short protein forms R364*, R425*, R426*, R436*.
Identifiers: ClinVar variation 4813724 (VCV004813724.1).